The following is an entry in ClinVar:

ClinVar aggregate classification (germline): Uncertain significance. Review status: criteria provided, multiple submitters, no conflicts (2 of 4 stars). 3 submissions from 3 submitters: Uncertain significance (3). Last evaluated 2025-01-19.

Conditions:
Intellectual disability-strabismus syndrome (NEDBGF). Also called: NEURODEVELOPMENTAL DISORDER WITH BRAIN ABNORMALITIES, POOR GROWTH, AND DYSMORPHIC FACIES. Identifiers: Orphanet 363528, MedGen C4750838, MONDO:0014119, OMIM 615286.
Inborn genetic diseases. Identifiers: MedGen C0950123, MeSH D030342.

Allele frequency attached by ClinVar (database versions not stated): gnomAD 0.00003; TOPMed 0.00006; gnomAD exomes 0.00020.
gnomAD v4.1: 44 of 1,517,820 alleles (0.0029%); highest among the groups gnomAD compares: Admixed American, 0.086%; no homozygotes.

Submissions (3):

Ambry Genetics
Classification: Uncertain significance for Inborn genetic diseases. Last evaluated: 2025-01-19. Review status: criteria provided, single submitter. Criteria: Ambry Variant Classification Scheme 2023. Collection method: clinical testing. Allele origin: germline.

Baylor Genetics
Classification: Uncertain significance for Intellectual disability-strabismus syndrome. Last evaluated: 2018-10-05. Review status: criteria provided, single submitter. Criteria: ACMG Guidelines, 2015. Collection method: clinical testing. Allele origin: unknown. Affected: yes.
Comment: This variant was determined to be of uncertain significance according to ACMG Guidelines, 2015 [PMID:25741868].

Genetic Services Laboratory, University of Chicago
Classification: Uncertain significance. Last evaluated: 2016-03-17. Review status: criteria provided, single submitter. Criteria: ACMG Guidelines, 2015. Collection method: clinical testing. Allele origin: germline. Affected: no.

NM_138422.4(ADAT3):c.59C>T (p.Ala20Val)

Genes: ADAT3 (adenosine deaminase tRNA specific 3; plus strand), SCAMP4 (secretory carrier membrane protein 4; plus strand). Cytogenetic location: 19p13.3.
Variant type: single nucleotide variant.
Coding change: c.59C>T on transcript NM_138422.4 (MANE Select); coding-DNA position 59, C replaced by T.
Protein change: p.Ala20Val; replaces alanine 20 with valine.
Molecular consequence: missense variant. On other transcripts: intron variant (3).
Genome position (GRCh38, 1-based): chr19:1,912,106, C>T. VCF-style: chr19-1912106-C-T. GRCh37 (hg19) VCF-style: chr19-1912105-C-T.
Other names: c.11C>T, p.Ala4Val (NM_001329533.2); c.-41-2873C>T (NM_079834.4, NM_001329540.2); c.-125-5588C>T (NM_001329539.2); short protein forms A20V, A4V.
Identifiers: ClinVar variation 434081 (VCV000434081.8), dbSNP rs764240025, ClinGen allele CA9054472.